The following is an entry in ClinVar:

NM_033100.4(CDHR1):c.1612G>A (p.Ala538Thr)

Gene: CDHR1 (cadherin related family member 1; plus strand). Cytogenetic location: 10q23.1.
Variant type: single nucleotide variant.
Coding change: c.1612G>A on transcript NM_033100.4 (MANE Select); coding-DNA position 1612, G replaced by A.
Protein change: p.Ala538Thr; replaces alanine 538 with threonine.
Molecular consequence: missense variant.
Genome position (GRCh38, 1-based): chr10:84,212,237, G>A. VCF-style: chr10-84212237-G-A. GRCh37 (hg19) VCF-style: chr10-85971993-G-A.
Other names: c.1612G>A, p.Ala538Thr (NM_001171971.3); short protein forms A538T.
Identifiers: ClinVar variation 1039451 (VCV001039451.8), dbSNP rs778184655, ClinGen allele CA5580002.
Genomic context (GRCh38, chr10:84,212,237, plus strand): 5'-AGCTTCCTGATCCACCCATCCACTGGGCTTATCTACACCCAGCCCTGGGCTAGCCTGGAC[G>A]CTGAGGCCACTGCCAGGTACAACTTCTATGTGAAGGCAGAGGACATGGAAGGCAAGTACA-3'
Protein context (NP_149091.1, residues 528-548): IYTQPWASLD[Ala538Thr]EATARYNFYV

ClinVar aggregate classification (germline): Uncertain significance. Review status: criteria provided, multiple submitters, no conflicts (2 of 4 stars). 2 submissions from 2 submitters: Uncertain significance (2). Last evaluated 2023-07-21.

Allele frequency attached by ClinVar (database versions not stated): ExAC 0.00001; gnomAD 0.00001; gnomAD exomes 0.00001; TOPMed 0.00002.
gnomAD v4.1: 14 of 1,614,116 alleles (0.00087%); highest among the groups gnomAD compares: South Asian, 0.0099%; no homozygotes.

Submissions (2):

Blueprint Genetics
Classification: Uncertain significance. Last evaluated: 2023-07-21. Review status: criteria provided, single submitter. Criteria: ACMG Guidelines, 2015. Collection method: clinical testing. Allele origin: germline.

Labcorp Genetics (formerly Invitae), Labcorp
Classification: Uncertain significance. Last evaluated: 2022-07-01. Review status: criteria provided, single submitter. Criteria: Invitae Variant Classification Sherloc (09022015). Collection method: clinical testing. Allele origin: germline.
Comment: This sequence change replaces alanine, which is neutral and non-polar, with threonine, which is neutral and polar, at codon 538 of the CDHR1 protein (p.Ala538Thr). This variant is present in population databases (rs778184655, gnomAD 0.004%). This variant has not been reported in the literature in individuals affected with CDHR1-related conditions. ClinVar contains an entry for this variant (Variation ID: 1039451). Advanced modeling of protein sequence and biophysical properties (such as structural, functional, and spatial information, amino acid conservation, physicochemical variation, residue mobility, and thermodynamic stability) performed at Invitae indicates that this missense variant is not expected to disrupt CDHR1 protein function. In summary, the available evidence is currently insufficient to determine the role of this variant in disease. Therefore, it has been classified as a Variant of Uncertain Significance.